The following is an entry in ClinVar:

NM_001429.4(EP300):c.157T>C (p.Leu53=)

Gene: EP300 (EP300 lysine acetyltransferase; plus strand). Cytogenetic location: 22q13.2.
Variant type: single nucleotide variant.
Coding change: c.157T>C on transcript NM_001429.4 (MANE Select); coding-DNA position 157, T replaced by C.
Protein change: p.Leu53=; no amino-acid change (leucine 53 retained).
Molecular consequence: synonymous variant.
Genome position (GRCh38, 1-based): chr22:41,117,249, T>C. VCF-style: chr22-41117249-T-C. GRCh37 (hg19) VCF-style: chr22-41513253-T-C.
Other names: c.157T>C, p.Leu53= (NM_001362843.2).
Identifiers: ClinVar variation 341774 (VCV000341774.14), dbSNP rs147566983, ClinGen allele CA10252197.

ClinVar aggregate classification (germline): Likely benign. Review status: criteria provided, single submitter (1 of 4 stars). 2 submissions from 2 submitters: Likely benign (1). 1 of the submissions does not count toward it. Last evaluated 2023-06-15.

Conditions:
EP300-related disorder. Also called: EP300-related condition; EP300-related disorders.
Rubinstein-Taybi syndrome due to EP300 haploinsufficiency. Also called: EP300-Related Rubinstein-Taybi Syndrome; RUBINSTEIN-TAYBI SYNDROME 2. Identifiers: Orphanet 353284, Orphanet 783, MedGen C3150941, MONDO:0013364, OMIM 613684.

Allele frequency attached by ClinVar (database versions not stated): ExAC 0.00007; gnomAD exomes 0.00007 and 0.00008; TOPMed 0.00008; gnomAD 0.00010 and 0.00011; 1000 Genomes Project 30x 0.00016; 1000 Genomes Project 0.00020; ESP Exome Variant Server 0.00023.
gnomAD v4.1: 127 of 1,614,202 alleles (0.0079%); highest among the groups gnomAD compares: Non-Finnish European, 0.01%; no homozygotes.

Submissions (2):

Labcorp Genetics (formerly Invitae), Labcorp
Classification: Likely benign for Rubinstein-Taybi syndrome due to EP300 haploinsufficiency. Last evaluated: 2023-06-15. Review status: criteria provided, single submitter. Criteria: Invitae Variant Classification Sherloc (09022015). Collection method: clinical testing. Allele origin: germline.

PreventionGenetics, part of Exact Sciences
Classification: Likely benign for EP300-related condition. Last evaluated: 2022-01-03. Review status: no assertion criteria provided. Collection method: clinical testing. Allele origin: germline. Not counted in ClinVar's aggregate classification.
Comment: This variant is classified as likely benign based on ACMG/AMP sequence variant interpretation guidelines (Richards et al. 2015 PMID: 25741868, with internal and published modifications).